The following is an entry in ClinVar:

NM_001387430.1(SH2B1):c.564G>A (p.Ser188=)

Gene: SH2B1 (SH2B adaptor protein 1; plus strand). Cytogenetic location: 16p11.2.
Variant type: single nucleotide variant.
Coding change: c.564G>A on transcript NM_001387430.1 (MANE Select); coding-DNA position 564, G replaced by A.
Protein change: p.Ser188=; no amino-acid change (serine 188 retained).
Molecular consequence: synonymous variant. On other transcripts: intron variant (1).
Genome position (GRCh38, 1-based): chr16:28,866,658, G>A. VCF-style: chr16-28866658-G-A. GRCh37 (hg19) VCF-style: chr16-28877979-G-A.
Other names: c.564G>A, p.Ser188= (NM_001145795.2, NM_001145796.2, NM_001145797.2 and 4 more transcripts); c.-26-716G>A (NM_001308294.2).
Identifiers: ClinVar variation 3357302 (VCV003357302.1).
Genomic context (GRCh38, chr16:28,866,658, plus strand): 5'-CATCCTGCAGTGGCGGGGGACCGTTGACCCTCCCTCCTCCGCTGGGCCCCTGGAGACCTC[G>A]TCAGGCCCCCCAGTCTTAGGTGGAAACAGCAACTCCAACTCCTCTGGCGGGGCTGGGACC-3'
Protein context (NP_001374359.1, residues 178-198): PPSSAGPLET[Ser188=]SGPPVLGGNS

ClinVar aggregate classification (germline): Likely benign (0 of 4 stars; one submission).

Conditions:
SH2B1-related disorder. Also called: SH2B1-related condition.

gnomAD v4.1: 28 of 1,611,242 alleles (0.0017%); highest among the groups gnomAD compares: South Asian, 0.014%; no homozygotes.

Submission:

PreventionGenetics, part of Exact Sciences
Classification: Likely benign for SH2B1-related condition. Last evaluated: 2023-12-19. Review status: no assertion criteria provided. Collection method: clinical testing. Allele origin: germline.
Comment: This variant is classified as likely benign based on ACMG/AMP sequence variant interpretation guidelines (Richards et al. 2015 PMID: 25741868, with internal and published modifications).